The following is an entry in ClinVar:

ClinVar aggregate classification (germline): Pathogenic/Likely pathogenic. Review status: criteria provided, multiple submitters, no conflicts (2 of 4 stars). 3 submissions from 3 submitters: Pathogenic (2); Likely pathogenic (1). Last evaluated 2025-12-18.

Conditions:
Eichsfeld type congenital muscular dystrophy (CMYO3). Also called: MYOPATHY, SEPN1-RELATED; SELENON-related myopathy; Congenital myopathy 3 with rigid spine; Rigid spine muscular dystrophy 1. Identifiers: MedGen C0410180, MONDO:0100100, OMIM 602771.

Allele frequency attached by ClinVar (database versions not stated): gnomAD exomes 0.00001; TOPMed 0.00001.
gnomAD v4.1: 3 of 1,614,114 alleles (0.00019%); highest among the groups gnomAD compares: Admixed American, 0.005%; no homozygotes.

Submissions (3):

Labcorp Genetics (formerly Invitae), Labcorp
Classification: Pathogenic for Eichsfeld type congenital muscular dystrophy. Last evaluated: 2025-12-18. Review status: criteria provided, single submitter. Criteria: Invitae Variant Classification Sherloc (09022015). Collection method: clinical testing. Allele origin: germline.
Comment: This sequence change creates a premature translational stop signal (p.Trp490*) in the SELENON gene. It is expected to result in an absent or disrupted protein product. Loss-of-function variants in SELENON are known to be pathogenic (PMID: 21131290, 21670436). This variant is present in population databases (no rsID available, gnomAD 0.009%). This variant has not been reported in the literature in individuals affected with SELENON-related conditions. ClinVar contains an entry for this variant (Variation ID: 461630). For these reasons, this variant has been classified as Pathogenic.

Broad Center for Mendelian Genomics, Broad Institute of MIT and Harvard
Classification: Likely pathogenic. Last evaluated: 2023-01-24. Review status: criteria provided, single submitter. Criteria: ACMG Guidelines, 2015. Collection method: curation. Allele origin: germline. Inheritance: Autosomal recessive inheritance.
Comment: The p.Trp490Ter variant in SELENON has not been previously reported in the literature in individuals with SELENON-RM but has been identified in 0.009% (3/34522) of Latino/Admixed American chromosomes by the Genome Aggregation Database (gnomAD; dbSNP ID: rs960468382). Although this variant has been seen in the general population in a heterozygous state, its frequency is low enough to be consistent with a recessive carrier frequency. This variant has also been reported in ClinVar (Variation ID#: 461630) and has been interpreted as pathogenic by Invitae, Eurofins NTD (LLC), and PerkinElmer Genomics. This nonsense variant leads to a premature termination codon at position 490 which is predicted to lead to a truncated or absent protein. Loss of function of the SELENON gene is an established disease mechanism in autosomal recessive SELENON-RM. In summary, although additional studies are required to fully establish its clinical significance, this variant is likely pathogenic for autosomal recessive SELENON-RM. ACMG/AMP Criteria applied: PVS1, PM2 (Richards 2015).

Eurofins Ntd Llc (ga)
Classification: Pathogenic. Last evaluated: 2017-04-28. Review status: criteria provided, single submitter. Criteria: EGL Classification Definitions 2015. Collection method: clinical testing. Allele origin: germline. Observed: 1 variant allele, 1 heterozygote.

Literature cited by the submitters: PubMed 21131290 (cited by Labcorp Genetics (formerly Invitae), Labcorp); PubMed 21670436 (cited by Labcorp Genetics (formerly Invitae), Labcorp).

NM_206926.2(SELENON):c.1367G>A (p.Trp456Ter)

Gene: SELENON (selenoprotein N; plus strand). Cytogenetic location: 1p36.11.
Variant type: single nucleotide variant.
Coding change: c.1367G>A on transcript NM_206926.2 (MANE Select); coding-DNA position 1367, G replaced by A.
Protein change: p.Trp456Ter; replaces tryptophan 456 with a stop codon.
Molecular consequence: nonsense.
Genome position (GRCh38, 1-based): chr1:25,813,962, G>A. VCF-style: chr1-25813962-G-A. GRCh37 (hg19) VCF-style: chr1-26140453-G-A.
Other names: NM_020451.3(SELENON):c.1469G>A; p.Trp490Ter; c.1469G>A, p.Trp490Ter (NM_020451.3); short protein forms W490*, W456*.
Identifiers: ClinVar variation 461630 (VCV000461630.21), dbSNP rs960468382, ClinGen allele CA19699056.